The following is an entry in ClinVar:

ClinVar aggregate classification (germline): Conflicting classifications of pathogenicity. Review status: criteria provided, conflicting classifications (1 of 4 stars). 2 submissions from 2 submitters: Uncertain significance (1); Likely benign (1). Last evaluated 2026-01-12.

Conditions:
Cardiovascular phenotype. Identifiers: MedGen CN230736.
RASopathy. Also called: Noonan spectrum disorder; rasopathies. Identifiers: Orphanet 536391, MedGen C5555857, MONDO:0021060.

Allele frequency attached by ClinVar (database versions not stated): gnomAD 0.00001; TOPMed 0.00001; ESP Exome Variant Server 0.00008.
gnomAD v4.1: 1 of 1,605,078 alleles (0.000062%); highest among the groups gnomAD compares: African/African-American, 0.0013%; no homozygotes.

Submissions (2):

Labcorp Genetics (formerly Invitae), Labcorp
Classification: Likely benign for RASopathy. Last evaluated: 2026-01-12. Review status: criteria provided, single submitter. Criteria: Invitae Variant Classification Sherloc (09022015). Collection method: clinical testing. Allele origin: germline.

Ambry Genetics
Classification: Uncertain significance for Cardiovascular phenotype. Last evaluated: 2020-11-30. Review status: criteria provided, single submitter. Criteria: Ambry Variant Classification Scheme 2023. Collection method: clinical testing. Allele origin: germline.
Comment: The p.E664Q variant (also known as c.1990G>C), located in coding exon 12 of the SOS1 gene, results from a G to C substitution at nucleotide position 1990. The glutamic acid at codon 664 is replaced by glutamine, an amino acid with highly similar properties. This amino acid position is well conserved in available vertebrate species. In addition, this alteration is predicted to be tolerated by in silico analysis. Since supporting evidence is limited at this time, the clinical significance of this alteration remains unclear.

NM_005633.4(SOS1):c.1990G>C (p.Glu664Gln)

Gene: SOS1 (SOS Ras/Rac guanine nucleotide exchange factor 1; minus strand). Cytogenetic location: 2p22.1.
Variant type: single nucleotide variant.
Coding change: c.1990G>C on transcript NM_005633.4 (MANE Select); coding-DNA position 1990, G replaced by C.
Protein change: p.Glu664Gln; replaces glutamic acid 664 with glutamine.
Molecular consequence: missense variant.
Genome position (GRCh38, 1-based): chr2:39,013,940, C>G on the plus strand (G>C on the coding strand, the complement: SOS1 is on the minus strand). VCF-style: chr2-39013940-C-G. GRCh37 (hg19) VCF-style: chr2-39241081-C-G.
Other names: c.1969G>C, p.Glu657Gln (NM_001382394.1); c.1990G>C, p.Glu664Gln (NM_001382395.1); short protein forms E664Q, E657Q.
Identifiers: ClinVar variation 1783971 (VCV001783971.7), dbSNP rs138555160, ClinGen allele CA45661885.